The following is an entry in ClinVar:

NM_000081.4(LYST):c.656T>C (p.Met219Thr)

Gene: LYST (lysosomal trafficking regulator; minus strand). Cytogenetic location: 1q42.3.
Variant type: single nucleotide variant.
Coding change: c.656T>C on transcript NM_000081.4 (MANE Select); coding-DNA position 656, T replaced by C.
Protein change: p.Met219Thr; replaces methionine 219 with threonine.
Molecular consequence: missense variant.
Genome position (GRCh38, 1-based): chr1:235,810,162, A>G on the plus strand (T>C on the coding strand, the complement: LYST is on the minus strand). VCF-style: chr1-235810162-A-G. GRCh37 (hg19) VCF-style: chr1-235973462-A-G.
Other names: c.656T>C, p.Met219Thr (NM_001301365.1); short protein forms M219T.
Identifiers: ClinVar variation 1984414 (VCV001984414.7), dbSNP rs764415532, ClinGen allele CA1467583.

ClinVar aggregate classification (germline): Uncertain significance. Review status: criteria provided, multiple submitters, no conflicts (2 of 4 stars). 3 submissions from 3 submitters: Uncertain significance (3). Last evaluated 2024-12-19.

Conditions:
Inborn genetic diseases. Identifiers: MedGen C0950123, MeSH D030342.
Chédiak-Higashi syndrome (CHS). Also called: Chediak-Higashi Syndrome. Identifiers: Orphanet 167, MedGen C0007965, MONDO:0008963, OMIM 214500.

Allele frequency attached by ClinVar (database versions not stated): ExAC 0.00001; gnomAD exomes 0.00001; gnomAD 0.00003; TOPMed 0.00005.
gnomAD v4.1: 7 of 1,614,060 alleles (0.00043%); highest among the groups gnomAD compares: African/African-American, 0.0093%; no homozygotes.

Submissions (3):

Labcorp Genetics (formerly Invitae), Labcorp
Classification: Uncertain significance for Chédiak-Higashi syndrome. Last evaluated: 2024-12-19. Review status: criteria provided, single submitter. Criteria: Invitae Variant Classification Sherloc (09022015). Collection method: clinical testing. Allele origin: germline.
Comment: This sequence change replaces methionine, which is neutral and non-polar, with threonine, which is neutral and polar, at codon 219 of the LYST protein (p.Met219Thr). The frequency data for this variant in the population databases is considered unreliable, as metrics indicate poor data quality at this position in the gnomAD database. This variant has not been reported in the literature in individuals affected with LYST-related conditions. ClinVar contains an entry for this variant (Variation ID: 1984414). Invitae Evidence Modeling of protein sequence and biophysical properties (such as structural, functional, and spatial information, amino acid conservation, physicochemical variation, residue mobility, and thermodynamic stability) indicates that this missense variant is not expected to disrupt LYST protein function with a negative predictive value of 80%. In summary, the available evidence is currently insufficient to determine the role of this variant in disease. Therefore, it has been classified as a Variant of Uncertain Significance.

Ambry Genetics
Classification: Uncertain significance for Inborn genetic diseases. Last evaluated: 2022-12-28. Review status: criteria provided, single submitter. Criteria: Ambry Variant Classification Scheme 2023. Collection method: clinical testing. Allele origin: germline.

Revvity Omics, Revvity
Classification: Uncertain significance for Chédiak-Higashi syndrome. Last evaluated: 2019-02-14. Review status: criteria provided, single submitter. Criteria: ACMG Guidelines, 2015. Collection method: clinical testing. Allele origin: germline.